The following is an entry in ClinVar:

ClinVar aggregate classification (germline): Uncertain significance (1 of 4 stars; one submission).

Submission:

ISCA site 15
Classification: Uncertain significance. Last evaluated: 2011-08-12. Review status: criteria provided, single submitter. Criteria: Kaminsky et al. (Genet Med. 2011). Collection method: clinical testing. Allele origin: unknown. Affected: yes. Observed: 1 variant allele.
Comment: Copy number variation identified through the course of routine clinical cytogenomic testing in postnatal populations. Clinical assertions have been curated as described in Kaminsky et al. 2011.

GRCh38/hg38 16p13.3(chr16:2786223-2913719)x3

Genes: FLYWCH1 (FLYWCH-type zinc finger 1; plus strand), FLYWCH2 (FLYWCH family member 2; plus strand), PRSS21 (serine protease 21; plus strand), PRSS22 (serine protease 22; minus strand), PRSS33 (serine protease 33; minus strand) and 17 more. Cytogenetic location: 16p13.3.
Variant type: copy number gain.
Change: copy number 3 (three copies instead of two) of chr16:2,786,223-2,913,719 (127.5 kb, GRCh38 coordinates, 1-based), cytogenetic band 16p13.3.
Identifiers: ClinVar variation 59949 (VCV000059949.1).